The following is an entry in ClinVar:

NM_005884.5(PAK4):c.1551C>T (p.Asn517=)

Gene: PAK4 (p21 (RAC1) activated kinase 4; plus strand). Cytogenetic location: 19q13.2.
Variant type: single nucleotide variant.
Coding change: c.1551C>T on transcript NM_005884.5 (MANE Select); coding-DNA position 1551, C replaced by T.
Protein change: p.Asn517=; no amino-acid change (asparagine 517 retained).
Molecular consequence: synonymous variant.
Genome position (GRCh38, 1-based): chr19:39,177,740, C>T. VCF-style: chr19-39177740-C-T. GRCh37 (hg19) VCF-style: chr19-39668380-C-T.
Other names: c.1551C>T, p.Asn517= (NM_001014831.3, NM_001014832.2, NM_001394501.1); c.1092C>T, p.Asn364= (NM_001014834.3, NM_001014835.2).
Identifiers: ClinVar variation 4872645 (VCV004872645.2).

ClinVar aggregate classification (germline): Likely benign (1 of 4 stars; one submission).

gnomAD v4.1: 6 of 1,613,672 alleles (0.00037%); highest among the groups gnomAD compares: Admixed American, 0.005%; no homozygotes.

Submission:

CeGaT Center for Human Genetics Tuebingen
Classification: Likely benign. Last evaluated: 2026-05-01. Review status: criteria provided, single submitter. Criteria: CeGaT Center For Human Genetics Tuebingen Variant Classification Criteria Version 2. Collection method: clinical testing. Allele origin: germline. Affected: yes. Observed: 1 variant allele.
Comment: PAK4: BP4, BP7